The following is an entry in ClinVar:

NM_020919.4(ALS2):c.*105A>C

Gene: ALS2 (alsin Rho guanine nucleotide exchange factor ALS2; minus strand). Cytogenetic location: 2q33.1.
Variant type: single nucleotide variant.
Coding change: c.*105A>C on transcript NM_020919.4 (MANE Select); 105 bases downstream of the stop codon, A replaced by C.
Molecular consequence: 3 prime UTR variant.
Genome position (GRCh38, 1-based): chr2:201,701,746, T>G on the plus strand (A>C on the coding strand, the complement: ALS2 is on the minus strand). VCF-style: chr2-201701746-T-G. GRCh37 (hg19) VCF-style: chr2-202566469-T-G.
Identifiers: ClinVar variation 333581 (VCV000333581.9), dbSNP rs141509107, ClinGen allele CA10612446.
Genomic context (GRCh38, chr2:201,701,746, plus strand): 5'-TCTGGGCTCAGGGCTCTTATTATTGGTAAGGCTCATTCTAACAACCTAAATAACACAAAG[T>G]CCTTTCCAATTTCAACACTGTTCTTTTTTGCCACTACAGGAAGACTCCAGATGGTGTTAT-3'

ClinVar aggregate classification (germline): Benign/Likely benign. Review status: criteria provided, multiple submitters, no conflicts (2 of 4 stars). 4 submissions from 3 submitters: Benign (2); Likely benign (2). Last evaluated 2018-07-03.

Conditions:
ALS2-related disorder. Also called: ALS2-related condition; ALS2-related disorders; ALS2-Related Spectrum Disorders. Identifiers: MedGen CN169291.
Amyotrophic lateral sclerosis type 2, juvenile. Also called: ALS, JUVENILE; Amyotrophic lateral sclerosis type 2. Identifiers: Orphanet 300605, MedGen C1859807, MONDO:0008780, OMIM 205100.

Allele frequency attached by ClinVar (database versions not stated): gnomAD 0.00933 and 0.00995; TOPMed 0.01035; 1000 Genomes Project 0.01118; 1000 Genomes Project 30x 0.01156.
gnomAD v4.1: 2,336 of 1,095,926 alleles (0.21%); highest among the groups gnomAD compares: African/African-American, 3.2%; 38 homozygotes.

Submissions (4):

GeneDx
Classification: Likely benign. Last evaluated: 2018-07-03. Review status: criteria provided, single submitter. Criteria: GeneDx Variant Classification Process June 2021. Collection method: clinical testing. Allele origin: germline. Affected: yes.

Illumina Laboratory Services, Illumina
Classification: Benign for Amyotrophic lateral sclerosis type 2. Last evaluated: 2018-01-12. Review status: criteria provided, single submitter. Criteria: ICSL Variant Classification Criteria 13 December 2019. Collection method: clinical testing. Allele origin: germline.
Comment: This variant was observed in the ICSL laboratory as part of a predisposition screen in an ostensibly healthy population. It had not been previously curated by ICSL or reported in the Human Gene Mutation Database (HGMD: prior to June 1st, 2018), and was therefore a candidate for classification through an automated scoring system. Utilizing variant allele frequency, disease prevalence and penetrance estimates, and inheritance mode, an automated score was calculated to assess if this variant is too frequent to cause the disease. Based on the score and internal cut-off values, a variant classified as benign is not then subjected to further curation. The score for this variant resulted in a classification of benign for this disease.

Illumina Laboratory Services, Illumina
Classification: Benign for ALS2-Related Disorders. Last evaluated: 2018-01-12. Review status: criteria provided, single submitter. Criteria: ICSL Variant Classification Criteria 13 December 2019. Collection method: clinical testing. Allele origin: germline.
Comment: the same text as in the submission from Illumina Laboratory Services, Illumina above.

Breakthrough Genomics
Classification: Likely benign. Review status: criteria provided, single submitter. Criteria: ACMG Guidelines, 2015. Collection method: not provided. Allele origin: germline. Inheritance: Autosomal recessive inheritance. Affected: yes.